The following is an entry in ClinVar:

ClinVar aggregate classification (germline): Likely pathogenic (1 of 4 stars; one submission).

Conditions:
Periventricular nodular heterotopia 9. Identifiers: MedGen C5394503, MONDO:0030061, OMIM 618918.

Submission:

3billion
Classification: Likely pathogenic for Periventricular nodular heterotopia 9. Last evaluated: 2021-10-02. Review status: criteria provided, single submitter. Criteria: ACMG Guidelines, 2015. Collection method: clinical testing. Allele origin: unknown. Affected: yes. Observed: 1 heterozygote.
Comment: Stop-gained (nonsense): predicted to result in a loss or disruption of normal protein function through nonsense-mediated decay (NMD) or protein truncation. Multiple pathogenic variants are reported downstream of the variant (PVS1_VS). It is not observed in the gnomAD v2.1.1 dataset (PM2). Therefore, this variant is classified as likely pathogenic according to the recommendation of ACMG/AMP guideline.

NM_005909.5(MAP1B):c.6715del (p.Asp2238_Leu2239insTer)

Gene: MAP1B (microtubule associated protein 1B; plus strand). Cytogenetic location: 5q13.2.
Variant type: Deletion.
Coding change: c.6715del on transcript NM_005909.5 (MANE Select); coding-DNA position 6715, one base deleted (C; older notation c.6715delC).
Protein change: p.Asp2238_Leu2239insTer.
Molecular consequence: nonsense.
Genome position (GRCh38, 1-based): chr5:72,200,070, C deleted. VCF-style (leftmost placement, unchanged base first): chr5-72200069-TC-T. GRCh37 (hg19) VCF-style: chr5-71495896-TC-T.
Other names: c.6337del, p.Asp2112_Leu2113insTer (NM_001324255.2).
Identifiers: ClinVar variation 1320111 (VCV001320111.1), dbSNP rs2111894733, ClinGen allele CA2573052528.